The following is an entry in ClinVar:

NM_018489.3(ASH1L):c.1723T>G (p.Ser575Ala)

Gene: ASH1L (ASH1 like histone lysine methyltransferase; minus strand). Cytogenetic location: 1q22.
Variant type: single nucleotide variant.
Coding change: c.1723T>G on transcript NM_018489.3 (MANE Select); coding-DNA position 1723, T replaced by G.
Protein change: p.Ser575Ala; replaces serine 575 with alanine.
Molecular consequence: missense variant.
Genome position (GRCh38, 1-based): chr1:155,481,147, A>C on the plus strand (T>G on the coding strand, the complement: ASH1L is on the minus strand). VCF-style: chr1-155481147-A-C. GRCh37 (hg19) VCF-style: chr1-155450938-A-C.
Other names: c.1723T>G, p.Ser575Ala (NM_001366177.2); c.1723T>G (NM_018489.2); short protein forms S575A.
Identifiers: ClinVar variation 2439236 (VCV002439236.10), dbSNP rs112249223, ClinGen allele CA1147306.

ClinVar aggregate classification (germline): Conflicting classifications of pathogenicity. Review status: criteria provided, conflicting classifications (1 of 4 stars). 5 submissions from 5 submitters: Uncertain significance (2); Likely benign (2). 1 of the submissions does not count toward it. Last evaluated 2026-05-01.

Conditions:
Inborn genetic diseases. Identifiers: MedGen C0950123, MeSH D030342.
Intellectual developmental disorder, autosomal dominant 52. Also called: Intellectual disability, autosomal dominant 52; Mental retardation, autosomal dominant 52. Identifiers: MedGen C4540478, MONDO:0030918, OMIM 617796.
ASH1L-related disorder. Also called: ASH1L-related condition.

Allele frequency attached by ClinVar (database versions not stated): gnomAD exomes 0.00002; ESP Exome Variant Server 0.00008; ExAC 0.00009; TOPMed 0.00014; gnomAD 0.00016; 1000 Genomes Project 30x 0.00031; 1000 Genomes Project 0.00040.
gnomAD v4.1: 68 of 1,614,100 alleles (0.0042%); highest among the groups gnomAD compares: African/African-American, 0.06%; 1 homozygote.

Submissions (5):

CeGaT Center for Human Genetics Tuebingen
Classification: Likely benign. Last evaluated: 2026-05-01. Review status: criteria provided, single submitter. Criteria: CeGaT Center For Human Genetics Tuebingen Variant Classification Criteria Version 2. Collection method: clinical testing. Allele origin: germline. Affected: yes. Observed: 1 variant allele.
Comment: ASH1L: BP4

Dasa
Classification: Uncertain significance. Last evaluated: 2025-11-25. Review status: criteria provided, single submitter. Criteria: DASA Assertion Criteria. Collection method: clinical testing. Allele origin: germline.
Comment: NM_018489.3(ASH1L):c.1723T>G (p.Ser575Ala) is a missense variant that results in the substitution of serine with alanine. This variant is rare in population databases. The currently available literature and clinical evidence are not sufficient to establish a definitive association between this variant and the reported condition. Therefore, this variant is classified as a variant of uncertain significance.

Ambry Genetics
Classification: Likely benign for Inborn genetic diseases. Last evaluated: 2023-02-06. Review status: criteria provided, single submitter. Criteria: Ambry Variant Classification Scheme 2023. Collection method: clinical testing. Allele origin: germline.

Revvity Omics, Revvity
Classification: Uncertain significance for Intellectual developmental disorder, autosomal dominant 52. Last evaluated: 2021-01-12. Review status: criteria provided, single submitter. Criteria: ACMG Guidelines, 2015. Collection method: clinical testing. Allele origin: germline.

PreventionGenetics, part of Exact Sciences
Classification: Likely benign for ASH1L-related condition. Last evaluated: 2022-11-29. Review status: no assertion criteria provided. Collection method: clinical testing. Allele origin: germline. Not counted in ClinVar's aggregate classification.
Comment: This variant is classified as likely benign based on ACMG/AMP sequence variant interpretation guidelines (Richards et al. 2015 PMID: 25741868, with internal and published modifications).